The following is an entry in ClinVar:

NM_001308093.3(GATA4):c.344G>A (p.Gly115Glu)

Gene: GATA4 (GATA binding protein 4). Cytogenetic location: 8p23.1.
Variant type: single nucleotide variant.
Coding change: c.344G>A on transcript NM_001308093.3 (MANE Select); coding-DNA position 344, G replaced by A.
Protein change: p.Gly115Glu; replaces glycine 115 with glutamic acid.
Molecular consequence: missense variant. On other transcripts: intron variant (3).
Genome position (GRCh38, 1-based): chr8:11,708,656, G>A. VCF-style: chr8-11708656-G-A. GRCh37 (hg19) VCF-style: chr8-11566165-G-A.
Other names: c.344G>A, p.Gly115Glu (NM_002052.5); c.-6+7878G>A (NM_001308094.2); c.-3+642G>A (NM_001374274.1); c.-3+4352G>A (NM_001374273.1); short protein forms G115E.
Identifiers: ClinVar variation 4278891 (VCV004278891.1).

ClinVar aggregate classification (germline): Uncertain significance (1 of 4 stars; one submission).

gnomAD v4.1: 1 of 1,306,972 alleles (0.000077%); no homozygotes.

Submission:

GeneDx
Classification: Uncertain significance. Last evaluated: 2025-04-06. Review status: criteria provided, single submitter. Criteria: GeneDx Variant Classification Process June 2021. Collection method: clinical testing. Allele origin: germline. Affected: yes.
Comment: Not observed at significant frequency in large population cohorts (gnomAD); In silico analysis indicates that this missense variant does not alter protein structure/function; Has not been previously published as pathogenic or benign to our knowledge